The following is an entry in ClinVar:

ClinVar aggregate classification (germline): Uncertain significance. Review status: criteria provided, multiple submitters, no conflicts (2 of 4 stars). 2 submissions from 2 submitters: Uncertain significance (2). Last evaluated 2025-06-23.

Allele frequency attached by ClinVar (database versions not stated): ExAC 0.00002; gnomAD exomes 0.00003; gnomAD 0.00004; TOPMed 0.00004; 1000 Genomes Project 30x 0.00016; 1000 Genomes Project 0.00020.
gnomAD v4.1: 47 of 1,611,496 alleles (0.0029%); highest among the groups gnomAD compares: Admixed American, 0.0067%; no homozygotes.

Submissions (2):

Ambry Genetics
Classification: Uncertain significance. Last evaluated: 2025-06-23. Review status: criteria provided, single submitter. Criteria: Ambry Variant Classification Scheme 2023. Collection method: clinical testing. Allele origin: germline.

Labcorp Genetics (formerly Invitae), Labcorp
Classification: Uncertain significance. Last evaluated: 2025-04-21. Review status: criteria provided, single submitter. Criteria: Invitae Variant Classification Sherloc (09022015). Collection method: clinical testing. Allele origin: germline.
Comment: This sequence change replaces arginine, which is basic and polar, with glutamine, which is neutral and polar, at codon 2443 of the HMCN1 protein (p.Arg2443Gln). This variant is present in population databases (rs533111130, gnomAD 0.008%). This variant has not been reported in the literature in individuals affected with HMCN1-related conditions. ClinVar contains an entry for this variant (Variation ID: 2415230). An algorithm developed to predict the effect of missense changes on protein structure and function (PolyPhen-2) suggests that this variant is likely to be disruptive. In summary, the available evidence is currently insufficient to determine the role of this variant in disease. Therefore, it has been classified as a Variant of Uncertain Significance.

NM_031935.3(HMCN1):c.7328G>A (p.Arg2443Gln)

Gene: HMCN1 (hemicentin 1; plus strand). Cytogenetic location: 1q31.1.
Variant type: single nucleotide variant.
Coding change: c.7328G>A on transcript NM_031935.3 (MANE Select); coding-DNA position 7328, G replaced by A.
Protein change: p.Arg2443Gln; replaces arginine 2443 with glutamine.
Molecular consequence: missense variant.
Genome position (GRCh38, 1-based): chr1:186,061,866, G>A. VCF-style: chr1-186061866-G-A. GRCh37 (hg19) VCF-style: chr1-186030998-G-A.
Other names: c.7328G>A (NM_031935.2); short protein forms R2443Q.
Identifiers: ClinVar variation 2415230 (VCV002415230.7), dbSNP rs533111130, ClinGen allele CA1292807.
Genomic context (GRCh38, chr1:186,061,866, plus strand): 5'-ATTTTTCTTTTTAAGTTATCTTAAAAAGATGGTTTGCTTCTGCAGGAGGCAGGATGCTAC[G>A]GCTGATGCAGACCACAATGGAAGATGCTGGCCAATATACTTGCGTTGTAAGGAATGCAGC-3'
Protein context (NP_114141.2, residues 2433-2453): VRILSGGRML[Arg2443Gln]LMQTTMEDAG